The following is an entry in ClinVar:

NM_006950.3(SYN1):c.206G>C (p.Gly69Ala)

Gene: SYN1 (synapsin I; minus strand). Cytogenetic location: Xp11.23.
Variant type: single nucleotide variant.
Coding change: c.206G>C on transcript NM_006950.3 (MANE Select); coding-DNA position 206, G replaced by C.
Protein change: p.Gly69Ala; replaces glycine 69 with alanine.
Molecular consequence: missense variant.
Genome position (GRCh38, 1-based): chrX:47,619,523, C>G on the plus strand (G>C on the coding strand, the complement: SYN1 is on the minus strand). VCF-style: chrX-47619523-C-G. GRCh37 (hg19) VCF-style: chrX-47478922-C-G.
Other names: c.206G>C, p.Gly69Ala (NM_133499.2); short protein forms G69A.
Identifiers: ClinVar variation 4075629 (VCV004075629.1).

ClinVar aggregate classification (germline): Uncertain significance (1 of 4 stars; one submission).

gnomAD v4.1: 1 of 1,197,684 alleles (0.000083%); highest among the groups gnomAD compares: African/African-American, 0.0017%; no homozygotes.

Submission:

GeneDx
Classification: Uncertain significance. Last evaluated: 2025-02-16. Review status: criteria provided, single submitter. Criteria: GeneDx Variant Classification Process June 2021. Collection method: clinical testing. Allele origin: germline. Affected: yes.
Comment: Not observed at significant frequency in large population cohorts (gnomAD); In silico analysis indicates that this missense variant does not alter protein structure/function; Has not been previously published as pathogenic or benign to our knowledge